The following is an entry in ClinVar:

ClinVar aggregate classification (germline): Uncertain significance. Review status: criteria provided, multiple submitters, no conflicts (2 of 4 stars). 2 submissions from 2 submitters: Uncertain significance (2). Last evaluated 2024-10-07.

Conditions:
Inborn genetic diseases. Identifiers: MedGen C0950123, MeSH D030342.

Allele frequency attached by ClinVar (database versions not stated): gnomAD exomes 0.00001; ExAC 0.00002; TOPMed 0.00003.
gnomAD v4.1: 11 of 1,613,296 alleles (0.00068%); highest among the groups gnomAD compares: Admixed American, 0.0083%; no homozygotes.

Submissions (2):

Ambry Genetics
Classification: Uncertain significance for Inborn genetic diseases. Last evaluated: 2024-10-07. Review status: criteria provided, single submitter. Criteria: Ambry Variant Classification Scheme 2023. Collection method: clinical testing. Allele origin: germline.

Labcorp Genetics (formerly Invitae), Labcorp
Classification: Uncertain significance. Last evaluated: 2022-05-07. Review status: criteria provided, single submitter. Criteria: Invitae Variant Classification Sherloc (09022015). Collection method: clinical testing. Allele origin: germline.
Comment: This sequence change replaces glycine, which is neutral and non-polar, with serine, which is neutral and polar, at codon 230 of the NDUFV2 protein (p.Gly230Ser). This variant is present in population databases (rs766594788, gnomAD 0.01%). This variant has not been reported in the literature in individuals affected with NDUFV2-related conditions. Algorithms developed to predict the effect of missense changes on protein structure and function (SIFT, PolyPhen-2, Align-GVGD) all suggest that this variant is likely to be tolerated. In summary, the available evidence is currently insufficient to determine the role of this variant in disease. Therefore, it has been classified as a Variant of Uncertain Significance.

NM_021074.5(NDUFV2):c.688G>A (p.Gly230Ser)

Genes: NDUFV2 (NADH:ubiquinone oxidoreductase core subunit V2; plus strand), NDUFV2-AS1 (NDUFV2 antisense RNA 1; minus strand). Cytogenetic location: 18p11.22.
Variant type: single nucleotide variant.
Coding change: c.688G>A on transcript NM_021074.5 (MANE Select); coding-DNA position 688, G replaced by A.
Protein change: p.Gly230Ser; replaces glycine 230 with serine.
Molecular consequence: missense variant.
Genome position (GRCh38, 1-based): chr18:9,134,217, G>A. VCF-style: chr18-9134217-G-A. GRCh37 (hg19) VCF-style: chr18-9134215-G-A.
Other names: c.688G>A (NM_021074.4); short protein forms G230S.
Identifiers: ClinVar variation 2055574 (VCV002055574.2), dbSNP rs766594788, ClinGen allele CA8887313.
Genomic context (GRCh38, chr18:9,134,217, plus strand): 5'-TAATAGTTTAATATTACTTTTCATTTCAGGAGTGGACGCTTCTCTTGTGAGCCAGCTGGA[G>A]GTCTTACCTCTTTGACTGAACCACCCAAGGGACCTGGATTTGGTGTACAAGCAGGCCTTT-3'
Protein context (NP_066552.2, residues 220-240): SGRFSCEPAG[Gly230Ser]LTSLTEPPKG